The following is an entry in ClinVar:

ClinVar aggregate classification (germline): Likely pathogenic. Review status: criteria provided, multiple submitters, no conflicts (2 of 4 stars). 2 submissions from 2 submitters: Likely pathogenic (2). Last evaluated 2024-05-22.

Conditions:
Glycine encephalopathy. Also called: Non-ketotic hyperglycinemia; Nonketotic hyperglycinemia. Identifiers: Orphanet 407, MedGen C0751748, MONDO:0011612, HP:0008288.

Allele frequency attached by ClinVar (database versions not stated): gnomAD exomes below 0.00001.
gnomAD v4.1: 7 of 1,608,774 alleles (0.00044%); highest among the groups gnomAD compares: South Asian, 0.0011%; no homozygotes.

Submissions (2):

Labcorp Genetics (formerly Invitae), Labcorp
Classification: Likely pathogenic for Glycine encephalopathy. Last evaluated: 2024-05-22. Review status: criteria provided, single submitter. Criteria: Invitae Variant Classification Sherloc (09022015). Collection method: clinical testing. Allele origin: germline.
Comment: This sequence change affects a donor splice site in intron 4 of the GLDC gene. It is expected to disrupt RNA splicing. Variants that disrupt the donor or acceptor splice site typically lead to a loss of protein function (PMID: 16199547), and loss-of-function variants in GLDC are known to be pathogenic (PMID: 16601880). The frequency data for this variant in the population databases is considered unreliable, as metrics indicate poor data quality at this position in the gnomAD database. This variant has not been reported in the literature in individuals affected with GLDC-related conditions. ClinVar contains an entry for this variant (Variation ID: 1685332). Algorithms developed to predict the effect of sequence changes on RNA splicing suggest that this variant may disrupt the consensus splice site. In summary, the currently available evidence indicates that the variant is pathogenic, but additional data are needed to prove that conclusively. Therefore, this variant has been classified as Likely Pathogenic.

Mendelics
Classification: Likely pathogenic for Glycine encephalopathy 1. Last evaluated: 2022-05-04. Review status: criteria provided, single submitter. Criteria: Mendelics Assertion Criteria 2019. Collection method: clinical testing. Allele origin: germline.

Literature cited by the submitters: PubMed 16199547 (cited by Labcorp Genetics (formerly Invitae), Labcorp); PubMed 16601880 (cited by Labcorp Genetics (formerly Invitae), Labcorp).

NM_000170.3(GLDC):c.635+1G>A

Gene: GLDC (glycine decarboxylase; minus strand). Cytogenetic location: 9p24.1.
Variant type: single nucleotide variant.
Coding change: c.635+1G>A on transcript NM_000170.3 (MANE Select); the canonical splice donor site of the intron after coding-DNA position 635, G replaced by A.
Molecular consequence: splice donor variant.
Genome position (GRCh38, 1-based): chr9:6,610,191, C>T on the plus strand (G>A on the coding strand, the complement: GLDC is on the minus strand). VCF-style: chr9-6610191-C-T. GRCh37 (hg19) VCF-style: chr9-6610191-C-T.
Identifiers: ClinVar variation 1685332 (VCV001685332.6), dbSNP rs1368757896, ClinGen allele CA372898095.